The following is an entry in ClinVar:

ClinVar aggregate classification (germline): Likely benign. Review status: criteria provided, multiple submitters, no conflicts (2 of 4 stars). 2 submissions from 2 submitters: Likely benign (2). Last evaluated 2025-12-22.

Conditions:
MFSD8-related disorder. Also called: MFSD8-related condition.
Neuronal ceroid lipofuscinosis 7 (CLN7). Also called: MFSD8-Related Neuronal Ceroid-Lipofuscinosis. Identifiers: Orphanet 168491, Orphanet 228366, MedGen C1838571, MONDO:0012588, OMIM 610951.

Allele frequency attached by ClinVar (database versions not stated): ExAC 0.00001; gnomAD exomes 0.00001 and 0.00005; gnomAD 0.00002 and 0.00003; TOPMed 0.00002.
gnomAD v4.1: 76 of 1,614,002 alleles (0.0047%); highest among the groups gnomAD compares: Non-Finnish European, 0.0064%; no homozygotes.

Submissions (2):

Labcorp Genetics (formerly Invitae), Labcorp
Classification: Likely benign for Neuronal ceroid lipofuscinosis 7. Last evaluated: 2025-12-22. Review status: criteria provided, single submitter. Criteria: Invitae Variant Classification Sherloc (09022015). Collection method: clinical testing. Allele origin: germline.

PreventionGenetics, part of Exact Sciences
Classification: Likely benign for MFSD8-related condition. Last evaluated: 2025-12-06. Review status: criteria provided, single submitter. Criteria: ACMG Guidelines, 2015. Collection method: clinical testing. Allele origin: germline.
Comment: This variant is classified as likely benign based on ACMG/AMP sequence variant interpretation guidelines (Richards et al. 2015 PMID: 25741868, with internal and published modifications).

NM_001371596.2(MFSD8):c.493A>C (p.Arg165=)

Gene: MFSD8 (major facilitator superfamily domain containing 8; minus strand). Cytogenetic location: 4q28.2.
Variant type: single nucleotide variant.
Coding change: c.493A>C on transcript NM_001371596.2 (MANE Select); coding-DNA position 493, A replaced by C.
Protein change: p.Arg165=; no amino-acid change (arginine 165 retained).
Molecular consequence: synonymous variant. On other transcripts: intron variant (4).
Genome position (GRCh38, 1-based): chr4:127,942,105, T>G on the plus strand (A>C on the coding strand, the complement: MFSD8 is on the minus strand). VCF-style: chr4-127942105-T-G. GRCh37 (hg19) VCF-style: chr4-128863260-T-G.
Other names: c.493A>C, p.Arg165= (NM_001363520.3, NM_001371591.2, NM_001371592.2 and 2 more transcripts); c.358A>C, p.Arg120= (NM_001371590.2, NM_001371595.1); c.304+1647A>C (NM_001410765.1); c.439+1647A>C (NM_001363521.3, NM_001410766.1, NM_001371593.2).
Identifiers: ClinVar variation 704143 (VCV000704143.12), dbSNP rs761767969, ClinGen allele CA3077456.